The following is an entry in ClinVar:

NM_032217.5(ANKRD17):c.37G>A (p.Ala13Thr)

Genes: ANKRD17 (ankyrin repeat domain 17; minus strand), LOC129992670 (ATAC-STARR-seq lymphoblastoid silent region 15476; plus strand). Cytogenetic location: 4q13.3.
Variant type: single nucleotide variant.
Coding change: c.37G>A on transcript NM_032217.5 (MANE Select); coding-DNA position 37, G replaced by A.
Protein change: p.Ala13Thr; replaces alanine 13 with threonine.
Molecular consequence: missense variant.
Genome position (GRCh38, 1-based): chr4:73,258,632, C>T on the plus strand (G>A on the coding strand, the complement: ANKRD17 is on the minus strand). VCF-style: chr4-73258632-C-T. GRCh37 (hg19) VCF-style: chr4-74124349-C-T.
Other names: c.37G>A, p.Ala13Thr (NM_015574.2, NM_198889.3); short protein forms A13T.
Identifiers: ClinVar variation 4887316 (VCV004887316.1).

ClinVar aggregate classification (germline): Uncertain significance (1 of 4 stars; one submission).

gnomAD v4.1: 2 of 1,486,730 alleles (0.00013%); highest among the groups gnomAD compares: South Asian, 0.0013%; no homozygotes.

Submission:

Women's Health and Genetics/Laboratory Corporation of America, LabCorp
Classification: Uncertain significance. Last evaluated: 2026-06-12. Review status: criteria provided, single submitter. Criteria: LabCorp Variant Classification Summary - May 2015. Collection method: clinical testing. Allele origin: germline.
Comment: Variant summary: ANKRD17 c.37G>A (p.Ala13Thr) results in a non-conservative amino acid change in the encoded protein sequence. Algorithms developed to predict the effect of missense changes on protein structure and function are either unavailable or do not agree on the potential impact of this missense change. The variant was absent in 86638 control chromosomes. The available data on variant occurrences in the general population are insufficient to allow any conclusion about variant significance. To our knowledge, no occurrence of c.37G>A in individuals affected with ANKRD17-related conditions and no experimental evidence demonstrating its impact on protein function have been reported. No submitters have cited clinical-significance assessments for this variant to ClinVar. Based on the evidence outlined above, the variant was classified as uncertain significance.